The following is an entry in ClinVar:

ClinVar aggregate classification (germline): Uncertain significance (1 of 4 stars; one submission).

Conditions:
Autosomal recessive osteopetrosis 1. Also called: TCIRG1-Related Osteopetrosis; ALBERS-SCHONBERG DISEASE, AUTOSOMAL RECESSIVE; TCIRG1-Related Autosomal Recessive Osteopetrosis. Identifiers: Orphanet 667, MedGen C1850127, MONDO:0009815, OMIM 259700.

Submission:

Myriad Genetics, Inc.
Classification: Uncertain significance for Autosomal recessive osteopetrosis 1. Last evaluated: 2026-04-02. Review status: criteria provided, single submitter. Criteria: Myriad Autosomal Dominant, Autosomal Recessive and X-Linked Classification Criteria (2023). Collection method: clinical testing. Allele origin: unknown.
Comment: NM_006019.3(TCIRG1):c.-5+1G>A is a 5' non-coding variant classified as a variant of uncertain significance in the context of autosomal recessive osteopetrosis type 1. c.-5+1G>A has not been observed in cases with relevant disease. Relevant functional assessments of this variant are not available in the literature. c.-5+1G>A has not been observed in referenced population frequency databases. In summary, there is insufficient evidence to classify NM_006019.3(TCIRG1):c.-5+1G>A as pathogenic or benign. Please note: this variant was assessed in the context of healthy population screening.

NM_006019.4(TCIRG1):c.-5+1G>A

Gene: TCIRG1 (T cell immune regulator 1, ATPase H+ transporting V0 subunit a3; plus strand). Cytogenetic location: 11q13.2.
Variant type: single nucleotide variant.
Coding change: c.-5+1G>A on transcript NM_006019.4 (MANE Select); the canonical splice donor site of the intron after 5 bases upstream of the start codon, G replaced by A.
Molecular consequence: splice donor variant.
Genome position (GRCh38, 1-based): chr11:68,039,120, G>A. VCF-style: chr11-68039120-G-A. GRCh37 (hg19) VCF-style: chr11-67806587-G-A.
Other names: c.-176+1G>A (NM_001440552.1, NM_001440557.1, NM_001440559.1 and 4 more transcripts); c.-1254+1G>A (NM_001351059.2); c.-5+1G>A (NM_001440558.1, NM_001440560.1, NM_001440562.1 and 6 more transcripts).
Identifiers: ClinVar variation 5003817 (VCV005003817.1).